The following is an entry in ClinVar:

NM_001290060.2(SEMA3B):c.1788G>A (p.Ser596=)

Gene: SEMA3B (semaphorin 3B; plus strand). Cytogenetic location: 3p21.31.
Variant type: single nucleotide variant.
Coding change: c.1788G>A on transcript NM_001290060.2 (MANE Select); coding-DNA position 1788, G replaced by A.
Protein change: p.Ser596=; no amino-acid change (serine 596 retained).
Molecular consequence: synonymous variant. On other transcripts: non-coding transcript variant (1).
Genome position (GRCh38, 1-based): chr3:50,275,787, G>A. VCF-style: chr3-50275787-G-A. GRCh37 (hg19) VCF-style: chr3-50313218-G-A.
Other names: c.1785G>A, p.Ser595= (NM_001005914.3); c.1803G>A, p.Ser601= (NM_001290061.1); c.759G>A, p.Ser253= (NM_001290062.2, NM_001290063.2); c.1788G>A, p.Ser596= (NM_004636.4).
Identifiers: ClinVar variation 3356585 (VCV003356585.1).
Genomic context (GRCh38, chr3:50,275,787, plus strand): 5'-GGAACACAAGGTGTTCGGCGTGGAGGGCAGCAGCGCCTTTCTGGAGTGTGAGCCCCGCTC[G>A]CTGCAGGCGCGCGTGGAGTGGACTTTCCAGCGCGCAGGGGTGACAGCCCACACCCAGGTG-3'
Protein context (NP_001276989.1, residues 586-606): SSAFLECEPR[Ser596=]LQARVEWTFQ

ClinVar aggregate classification (germline): Likely benign (0 of 4 stars; one submission).

Conditions:
SEMA3B-related disorder. Also called: SEMA3B-related condition.

gnomAD v4.1: 6 of 1,612,116 alleles (0.00037%); highest among the groups gnomAD compares: East Asian, 0.0089%; no homozygotes.

Submission:

PreventionGenetics, part of Exact Sciences
Classification: Likely benign for SEMA3B-related condition. Last evaluated: 2023-07-03. Review status: no assertion criteria provided. Collection method: clinical testing. Allele origin: germline.
Comment: This variant is classified as likely benign based on ACMG/AMP sequence variant interpretation guidelines (Richards et al. 2015 PMID: 25741868, with internal and published modifications).